The following is an entry in ClinVar:

ClinVar aggregate classification (germline): Uncertain significance. Review status: criteria provided, multiple submitters, no conflicts (2 of 4 stars). 5 submissions from 5 submitters: Uncertain significance (5). Last evaluated 2023-12-29.

Conditions:
Inborn genetic diseases. Identifiers: MedGen C0950123, MeSH D030342.
Neuromuscular disease caused by qualitative or quantitative defects of dysferlin. Also called: Dysferlinopathy; Qualitative or quantitative defects of dysferlin. Identifiers: Orphanet 207073, MedGen C2931687, MONDO:0016145.

Allele frequency attached by ClinVar (database versions not stated): gnomAD 0.00001 and 0.00003; gnomAD exomes 0.00006 and 0.00002; TOPMed 0.00002; ExAC 0.00008; 1000 Genomes Project 0.00040; 1000 Genomes Project 30x 0.00047.
gnomAD v4.1: 40 of 1,614,078 alleles (0.0025%); highest among the groups gnomAD compares: South Asian, 0.041%; no homozygotes.

Submissions (5):

Mayo Clinic Laboratories, Mayo Clinic
Classification: Uncertain significance. Last evaluated: 2023-12-29. Review status: criteria provided, single submitter. Criteria: ACMG Guidelines, 2015. Collection method: clinical testing. Allele origin: germline. Observed: 1 variant allele.
Comment: PP3, PM2_moderate

Revvity Omics, Revvity
Classification: Uncertain significance. Last evaluated: 2023-02-27. Review status: criteria provided, single submitter. Criteria: ACMG Guidelines, 2015. Collection method: clinical testing. Allele origin: germline.

Ambry Genetics
Classification: Uncertain significance for Inborn genetic diseases. Last evaluated: 2022-05-16. Review status: criteria provided, single submitter. Criteria: Ambry Variant Classification Scheme 2023. Collection method: clinical testing. Allele origin: germline.

Labcorp Genetics (formerly Invitae), Labcorp
Classification: Uncertain significance for Neuromuscular disease caused by qualitative or quantitative defects of dysferlin. Last evaluated: 2022-02-21. Review status: criteria provided, single submitter. Criteria: Invitae Variant Classification Sherloc (09022015). Collection method: clinical testing. Allele origin: germline.
Comment: This sequence change replaces asparagine, which is neutral and polar, with lysine, which is basic and polar, at codon 1379 of the DYSF protein (p.Asn1379Lys). This variant is present in population databases (rs536906283, gnomAD 0.05%). This variant has not been reported in the literature in individuals affected with DYSF-related conditions. ClinVar contains an entry for this variant (Variation ID: 501769). Advanced modeling of protein sequence and biophysical properties (such as structural, functional, and spatial information, amino acid conservation, physicochemical variation, residue mobility, and thermodynamic stability) performed at Invitae indicates that this missense variant is expected to disrupt DYSF protein function. In summary, the available evidence is currently insufficient to determine the role of this variant in disease. Therefore, it has been classified as a Variant of Uncertain Significance.

Eurofins Ntd Llc (ga)
Classification: Uncertain significance. Last evaluated: 2017-05-05. Review status: criteria provided, single submitter. Criteria: EGL Classification Definitions 2015. Collection method: clinical testing. Allele origin: germline. Observed: 1 variant allele, 1 heterozygote.

NM_001130987.2(DYSF):c.4191C>A (p.Asn1397Lys)

Gene: DYSF (dysferlin; plus strand). Cytogenetic location: 2p13.2.
Variant type: single nucleotide variant.
Coding change: c.4191C>A on transcript NM_001130987.2 (MANE Select); coding-DNA position 4191, C replaced by A.
Protein change: p.Asn1397Lys; replaces asparagine 1397 with lysine.
Molecular consequence: missense variant.
Genome position (GRCh38, 1-based): chr2:71,611,596, C>A. VCF-style: chr2-71611596-C-A. GRCh37 (hg19) VCF-style: chr2-71838726-C-A.
Other names: p.Asn1379Lys; c.4137C>A (NM_003494.3); c.4140C>A, p.Asn1380Lys (NM_001130455.2, NM_001130983.2); c.4095C>A, p.Asn1365Lys (NM_001130976.2, NM_001130977.2); c.4137C>A, p.Asn1379Lys (NM_001130978.2, NM_003494.4); c.4230C>A, p.Asn1410Lys (NM_001130979.2); c.4188C>A, p.Asn1396Lys (NM_001130980.2, NM_001130981.2); c.4233C>A, p.Asn1411Lys (NM_001130982.2); and 2 more; short protein forms N1379K, N1397K, N1365K, N1366K, N1411K, N1380K, N1396K, N1410K.
Identifiers: ClinVar variation 501769 (VCV000501769.10), dbSNP rs536906283, ClinGen allele CA1706915.